The following is an entry in ClinVar:

ClinVar aggregate classification (germline): Uncertain significance (1 of 4 stars; one submission).

Conditions:
Sulfite oxidase deficiency due to molybdenum cofactor deficiency type C. Also called: Molybdenum cofactor deficiency C; Molybdenum cofactor deficiency, complementation group C. Identifiers: Orphanet 308400, Orphanet 833, MedGen C1854990, MONDO:0014212, OMIM 615501.

Allele frequency attached by ClinVar (database versions not stated): gnomAD exomes below 0.00001.
gnomAD v4.1: 2 of 1,607,612 alleles (0.00012%); highest among the groups gnomAD compares: Non-Finnish European, 0.00017%; no homozygotes.

Submission:

Labcorp Genetics (formerly Invitae), Labcorp
Classification: Uncertain significance for Sulfite oxidase deficiency due to molybdenum cofactor deficiency type C. Last evaluated: 2023-07-20. Review status: criteria provided, single submitter. Criteria: Invitae Variant Classification Sherloc (09022015). Collection method: clinical testing. Allele origin: germline.
Comment: This sequence change replaces arginine, which is basic and polar, with cysteine, which is neutral and slightly polar, at codon 420 of the GPHN protein (p.Arg420Cys). Advanced modeling of protein sequence and biophysical properties (such as structural, functional, and spatial information, amino acid conservation, physicochemical variation, residue mobility, and thermodynamic stability) performed at Invitae indicates that this missense variant is expected to disrupt GPHN protein function. This variant has not been reported in the literature in individuals affected with GPHN-related conditions. In summary, the available evidence is currently insufficient to determine the role of this variant in disease. Therefore, it has been classified as a Variant of Uncertain Significance. This variant is not present in population databases (gnomAD no frequency).

NM_020806.5(GPHN):c.1258C>T (p.Arg420Cys)

Gene: GPHN (gephyrin; plus strand). Cytogenetic location: 14q23.3.
Variant type: single nucleotide variant.
Coding change: c.1258C>T on transcript NM_020806.5 (MANE Select); coding-DNA position 1258, C replaced by T.
Protein change: p.Arg420Cys; replaces arginine 420 with cysteine.
Molecular consequence: missense variant.
Genome position (GRCh38, 1-based): chr14:67,100,876, C>T. VCF-style: chr14-67100876-C-T. GRCh37 (hg19) VCF-style: chr14-67567593-C-T.
Other names: c.1159C>T, p.Arg387Cys (NM_001024218.2); c.1318C>T, p.Arg440Cys (NM_001377514.1); c.1288C>T, p.Arg430Cys (NM_001377515.1); c.1279C>T, p.Arg427Cys (NM_001377516.1); c.1231C>T, p.Arg411Cys (NM_001377517.1); c.1216C>T, p.Arg406Cys (NM_001377518.1); c.1198C>T, p.Arg400Cys (NM_001377519.1); short protein forms R387C, R400C, R406C, R420C, R440C, R411C, R427C, R430C.
Identifiers: ClinVar variation 2893976 (VCV002893976.3), dbSNP rs2543230651, ClinGen allele CA390257697.
Genomic context (GRCh38, chr14:67,100,876, plus strand): 5'-CCATACTGATGTTTGTTCTTGGCTCTGTTCCATCTCACAGCTGCTGATGGCCCAGGAGAT[C>T]GTTTCATCATTGGGGAATCCCAAGCTGGTGAACAGGTGAGATTGATAGGCCTGAAAGGCA-3'
Protein context (NP_065857.1, residues 410-430): AVRAADGPGD[Arg420Cys]FIIGESQAGE